The following is an entry in ClinVar:

NM_005732.4(RAD50):c.226A>G (p.Thr76Ala)

Gene: RAD50 (RAD50 double strand break repair protein; plus strand). Cytogenetic location: 5q31.1.
Variant type: single nucleotide variant.
Coding change: c.226A>G on transcript NM_005732.4 (MANE Select); coding-DNA position 226, A replaced by G.
Protein change: p.Thr76Ala; replaces threonine 76 with alanine.
Molecular consequence: missense variant.
Genome position (GRCh38, 1-based): chr5:132,575,789, A>G. VCF-style: chr5-132575789-A-G. GRCh37 (hg19) VCF-style: chr5-131911481-A-G.
Other names: short protein forms T76A.
Identifiers: ClinVar variation 484629 (VCV000484629.16), dbSNP rs937875134, ClinGen allele CA127234437.

ClinVar aggregate classification (germline): Uncertain significance. Review status: criteria provided, multiple submitters, no conflicts (2 of 4 stars). 2 submissions from 2 submitters: Uncertain significance (2). Last evaluated 2025-07-25.

Conditions:
Hereditary cancer-predisposing syndrome. Also called: Neoplastic Syndromes, Hereditary; Tumor predisposition; Hereditary Cancer Syndrome; Hereditary neoplastic syndrome. Identifiers: Orphanet 140162, MedGen C0027672, MeSH D009386, MONDO:0015356.

Allele frequency attached by ClinVar (database versions not stated): gnomAD exomes below 0.00001; TOPMed below 0.00001; gnomAD 0.00001.
gnomAD v4.1: 3 of 1,596,100 alleles (0.00019%); highest among the groups gnomAD compares: Non-Finnish European, 0.00026%; no homozygotes.

Submissions (2):

Ambry Genetics
Classification: Uncertain significance for Hereditary cancer-predisposing syndrome. Last evaluated: 2025-07-25. Review status: criteria provided, single submitter. Criteria: Ambry Variant Classification Scheme 2023. Collection method: clinical testing. Allele origin: germline.
Comment: The p.T76A variant (also known as c.226A>G), located in coding exon 3 of the RAD50 gene, results from an A to G substitution at nucleotide position 226. The threonine at codon 76 is replaced by alanine, an amino acid with similar properties. This amino acid position is highly conserved in available vertebrate species. In addition, this alteration is predicted to be tolerated by in silico analysis. Since supporting evidence is limited at this time, the clinical significance of this alteration remains unclear.

Labcorp Genetics (formerly Invitae), Labcorp
Classification: Uncertain significance for Hereditary cancer-predisposing syndrome. Last evaluated: 2023-03-26. Review status: criteria provided, single submitter. Criteria: Invitae Variant Classification Sherloc (09022015). Collection method: clinical testing. Allele origin: germline.
Comment: In summary, the available evidence is currently insufficient to determine the role of this variant in disease. Therefore, it has been classified as a Variant of Uncertain Significance. Advanced modeling of protein sequence and biophysical properties (such as structural, functional, and spatial information, amino acid conservation, physicochemical variation, residue mobility, and thermodynamic stability) has been performed at Invitae for this missense variant, however the output from this modeling did not meet the statistical confidence thresholds required to predict the impact of this variant on RAD50 protein function. ClinVar contains an entry for this variant (Variation ID: 484629). This variant has not been reported in the literature in individuals affected with RAD50-related conditions. This variant is not present in population databases (gnomAD no frequency). This sequence change replaces threonine, which is neutral and polar, with alanine, which is neutral and non-polar, at codon 76 of the RAD50 protein (p.Thr76Ala).